The following is an entry in ClinVar:

ClinVar aggregate classification (germline): Uncertain significance (1 of 4 stars; one submission).

Conditions:
Left-right axis malformations. Identifiers: MedGen C1866091.

Allele frequency attached by ClinVar (database versions not stated): gnomAD exomes 0.00001; TOPMed 0.00001; gnomAD 0.00002.
gnomAD v4.1: 21 of 1,613,970 alleles (0.0013%); highest among the groups gnomAD compares: East Asian, 0.0045%; no homozygotes.

Submission:

Labcorp Genetics (formerly Invitae), Labcorp
Classification: Uncertain significance for Left-right axis malformations. Last evaluated: 2023-08-24. Review status: criteria provided, single submitter. Criteria: Invitae Variant Classification Sherloc (09022015). Collection method: clinical testing. Allele origin: germline.
Comment: In summary, the available evidence is currently insufficient to determine the role of this variant in disease. Therefore, it has been classified as a Variant of Uncertain Significance. This sequence change replaces proline, which is neutral and non-polar, with leucine, which is neutral and non-polar, at codon 301 of the LEFTY2 protein (p.Pro301Leu). This variant is present in population databases (no rsID available, gnomAD 0.002%). This variant has not been reported in the literature in individuals affected with LEFTY2-related conditions. ClinVar contains an entry for this variant (Variation ID: 2177733). Advanced modeling of protein sequence and biophysical properties (such as structural, functional, and spatial information, amino acid conservation, physicochemical variation, residue mobility, and thermodynamic stability) has been performed at Invitae for this missense variant, however the output from this modeling did not meet the statistical confidence thresholds required to predict the impact of this variant on LEFTY2 protein function.

NM_003240.5(LEFTY2):c.902C>T (p.Pro301Leu)

Gene: LEFTY2 (left-right determination factor 2; minus strand). Cytogenetic location: 1q42.12.
Variant type: single nucleotide variant.
Coding change: c.902C>T on transcript NM_003240.5 (MANE Select); coding-DNA position 902, C replaced by T.
Protein change: p.Pro301Leu; replaces proline 301 with leucine.
Molecular consequence: missense variant.
Genome position (GRCh38, 1-based): chr1:225,937,640, G>A on the plus strand (C>T on the coding strand, the complement: LEFTY2 is on the minus strand). VCF-style: chr1-225937640-G-A. GRCh37 (hg19) VCF-style: chr1-226125340-G-A.
Other names: c.800C>T, p.Pro267Leu (NM_001172425.3); short protein forms P301L, P267L.
Identifiers: ClinVar variation 2177733 (VCV002177733.4), dbSNP rs200500383, ClinGen allele CA345013102.